The following is an entry in ClinVar:

ClinVar aggregate classification (germline): Likely benign (1 of 4 stars; one submission).

Submission:

CeGaT Center for Human Genetics Tuebingen
Classification: Likely benign. Last evaluated: 2026-03-01. Review status: criteria provided, single submitter. Criteria: CeGaT Center For Human Genetics Tuebingen Variant Classification Criteria Version 2. Collection method: clinical testing. Allele origin: germline. Affected: yes. Observed: 1 variant allele.
Comment: LAMA5: PM2:Supporting, BP4, BP7

NM_005560.6(LAMA5):c.5466G>C (p.Gly1822=)

Gene: LAMA5 (laminin subunit alpha 5; minus strand). Cytogenetic location: 20q13.33.
Variant type: single nucleotide variant.
Coding change: c.5466G>C on transcript NM_005560.6 (MANE Select); coding-DNA position 5466, G replaced by C.
Protein change: p.Gly1822=; no amino-acid change (glycine 1822 retained).
Molecular consequence: synonymous variant.
Genome position (GRCh38, 1-based): chr20:62,325,379, C>G on the plus strand (G>C on the coding strand, the complement: LAMA5 is on the minus strand). VCF-style: chr20-62325379-C-G. GRCh37 (hg19) VCF-style: chr20-60900435-C-G.
Identifiers: ClinVar variation 4821604 (VCV004821604.4).